The following is an entry in ClinVar:

ClinVar aggregate classification (germline): Uncertain significance (1 of 4 stars; one submission).

Conditions:
Hereditary cancer-predisposing syndrome. Also called: Neoplastic Syndromes, Hereditary; Tumor predisposition; Hereditary Cancer Syndrome; Hereditary neoplastic syndrome. Identifiers: Orphanet 140162, MedGen C0027672, MeSH D009386, MONDO:0015356.

Submission:

Ambry Genetics
Classification: Uncertain significance for Hereditary cancer-predisposing syndrome. Last evaluated: 2026-02-24. Review status: criteria provided, single submitter. Criteria: Ambry Variant Classification Scheme 2023. Collection method: clinical testing. Allele origin: germline.
Comment: The p.S877L variant (also known as c.2630C>T), located in coding exon 16 of the PTCH1 gene, results from a C to T substitution at nucleotide position 2630. The serine at codon 877 is replaced by leucine, an amino acid with dissimilar properties. This amino acid position is conserved. In addition, this alteration is predicted to be deleterious by in silico analysis. Based on the available evidence, the clinical significance of this variant remains unclear.

NM_000264.5(PTCH1):c.2630C>T (p.Ser877Leu)

Gene: PTCH1 (patched 1; minus strand). Cytogenetic location: 9q22.32.
Variant type: single nucleotide variant.
Coding change: c.2630C>T on transcript NM_000264.5 (MANE Select); coding-DNA position 2630, C replaced by T.
Protein change: p.Ser877Leu; replaces serine 877 with leucine.
Molecular consequence: missense variant. On other transcripts: non-coding transcript variant (1).
Genome position (GRCh38, 1-based): chr9:95,461,929, G>A on the plus strand (C>T on the coding strand, the complement: PTCH1 is on the minus strand). VCF-style: chr9-95461929-G-A. GRCh37 (hg19) VCF-style: chr9-98224211-G-A.
Other names: c.2432C>T, p.Ser811Leu (NM_001083602.3); c.2627C>T, p.Ser876Leu (NM_001083603.3); c.2177C>T, p.Ser726Leu (NM_001083604.3, NM_001083605.3, NM_001083606.3 and 1 more transcripts); c.2474C>T, p.Ser825Leu (NM_001354918.2); short protein forms S876L, S825L, S811L, S877L, S726L.
Identifiers: ClinVar variation 4826360 (VCV004826360.1).